The following is an entry in ClinVar:

ClinVar aggregate classification (germline): Uncertain significance (1 of 4 stars; one submission).

Submission:

Women's Health and Genetics/Laboratory Corporation of America, LabCorp
Classification: Uncertain significance. Last evaluated: 2025-10-30. Review status: criteria provided, single submitter. Criteria: LabCorp Variant Classification Summary - May 2015. Collection method: clinical testing. Allele origin: germline.
Comment: Variant summary: CNGB3 c.1781G>A (p.Ser594Asn) results in a conservative amino acid change in the encoded protein sequence. Algorithms developed to predict the effect of missense changes on protein structure and function are either unavailable or do not agree on the potential impact of this missense change. Several computational tools predict a significant impact on normal splicing: Two predict the variant abolishes a 5' splicing donor site and one predicts the variant weakens a 5' donor site. However, these predictions have yet to be confirmed by functional studies. The variant was absent in 251094 control chromosomes. The available data on variant occurrences in the general population are insufficient to allow any conclusion about variant significance. To our knowledge, no occurrence of c.1781G>A in individuals affected with CNGB3-related conditions and no experimental evidence demonstrating its impact on protein function have been reported. No submitters have cited clinical-significance assessments for this variant to ClinVar. Based on the evidence outlined above, the variant was classified as uncertain significance.

NM_019098.5(CNGB3):c.1781G>A (p.Ser594Asn)

Gene: CNGB3 (cyclic nucleotide gated channel subunit beta 3; minus strand). Cytogenetic location: 8q21.3.
Variant type: single nucleotide variant.
Coding change: c.1781G>A on transcript NM_019098.5 (MANE Select); coding-DNA position 1781, G replaced by A.
Protein change: p.Ser594Asn; replaces serine 594 with asparagine.
Molecular consequence: missense variant.
Genome position (GRCh38, 1-based): chr8:86,604,093, C>T on the plus strand (G>A on the coding strand, the complement: CNGB3 is on the minus strand). VCF-style: chr8-86604093-C-T. GRCh37 (hg19) VCF-style: chr8-87616321-C-T.
Other names: short protein forms S594N.
Identifiers: ClinVar variation 4687293 (VCV004687293.1).